The following is an entry in ClinVar:

ClinVar aggregate classification (germline): Uncertain significance (1 of 4 stars; one submission).

Conditions:
Neurofibromatosis, type 1 (NF1). Also called: NEUROFIBROMATOSIS, TYPE I, SOMATIC; VON RECKLINGHAUSEN DISEASE; Peripheral type neurofibromatosis; Neurofibromatosis, type I. Identifiers: Orphanet 636, MedGen C0027831, MONDO:0018975, OMIM 162200. Disease mechanism: loss of function.

Submission:

Labcorp Genetics (formerly Invitae), Labcorp
Classification: Uncertain significance for Neurofibromatosis, type 1. Last evaluated: 2015-06-25. Review status: criteria provided, single submitter. Criteria: Invitae Variant Classification Sherloc (09022015). Collection method: clinical testing. Allele origin: germline.
Comment: This sequence change replaces asparagine with lysine at codon 359 of the NF1 protein (p.Asn359Lys). The asparagine residue is highly conserved and there is a moderate physicochemical difference between asparagine and lysine. In summary, this is a novel missense change with uncertain impact on protein function. It has been classified as a Variant of Uncertain Significance. This variant has not been published in the literature and is not present in population databases. Algorithms developed to predict the effect of missense changes on protein structure and function do not agree on the potential impact of this missense change (SIFT: "Deleterious"; PolyPhen-2: "Probably Damaging"; Align-GVGD: "Class C0").

NM_001042492.3(NF1):c.1077T>A (p.Asn359Lys)

Gene: NF1 (neurofibromin 1; plus strand). Cytogenetic location: 17q11.2.
Variant type: single nucleotide variant.
Coding change: c.1077T>A on transcript NM_001042492.3 (MANE Select); coding-DNA position 1077, T replaced by A.
Protein change: p.Asn359Lys; replaces asparagine 359 with lysine.
Molecular consequence: missense variant.
Genome position (GRCh38, 1-based): chr17:31,201,051, T>A. VCF-style: chr17-31201051-T-A. GRCh37 (hg19) VCF-style: chr17-29528069-T-A.
Other names: c.1077T>A, p.Asn359Lys (NM_000267.4, NM_001128147.3); short protein forms N359K.
Identifiers: ClinVar variation 1035542 (VCV001035542.3), dbSNP rs2066518822, ClinGen allele CA398996738.